The following is an entry in ClinVar:

NM_001987.5(ETV6):c.1207A>G (p.Lys403Glu)

Gene: ETV6 (ETS variant transcription factor 6; plus strand). Cytogenetic location: 12p13.2.
Variant type: single nucleotide variant.
Coding change: c.1207A>G on transcript NM_001987.5 (MANE Select); coding-DNA position 1207, A replaced by G.
Protein change: p.Lys403Glu; replaces lysine 403 with glutamic acid.
Molecular consequence: missense variant. On other transcripts: intron variant (1).
Genome position (GRCh38, 1-based): chr12:11,885,980, A>G. VCF-style: chr12-11885980-A-G. GRCh37 (hg19) VCF-style: chr12-12038914-A-G.
Other names: c.1204A>G, p.Lys402Glu (NM_001413913.1); c.1180A>G, p.Lys394Glu (NM_001413914.1); c.943A>G, p.Lys315Glu (NM_001413915.1); c.1010-4961A>G (NM_001413917.1); short protein forms K315E, K394E, K402E, K403E.
Identifiers: ClinVar variation 2576419 (VCV002576419.4), dbSNP rs2498187092, ClinGen allele CA384044927.

ClinVar aggregate classification (germline): Conflicting classifications of pathogenicity. Review status: criteria provided, conflicting classifications (1 of 4 stars). 2 submissions from 2 submitters: Likely pathogenic (1); Uncertain significance (1). Last evaluated 2025-09-16.

Conditions:
Inborn genetic diseases. Identifiers: MedGen C0950123, MeSH D030342.

Submissions (2):

Ambry Genetics
Classification: Uncertain significance for Inborn genetic diseases. Last evaluated: 2025-09-16. Review status: criteria provided, single submitter. Criteria: Ambry Variant Classification Scheme 2023. Collection method: clinical testing. Allele origin: germline.
Comment: The p.K403E variant (also known as c.1207A>G), located in coding exon 7 of the ETV6 gene, results from an A to G substitution at nucleotide position 1207. The lysine at codon 403 is replaced by glutamic acid, an amino acid with similar properties. This amino acid position is highly conserved in available vertebrate species. In addition, the in silico prediction for this alteration is inconclusive. Based on the available evidence, the clinical significance of this variant remains unclear.

Center for Genomic Medicine, Rigshospitalet, Copenhagen University Hospital
Classification: Likely pathogenic. Last evaluated: 2025-03-04. Review status: criteria provided, single submitter. Criteria: ACMG Guidelines, 2015. Collection method: clinical testing. Allele origin: germline.

Literature cited by the submitters: PubMed 26522332 (cited by Center for Genomic Medicine, Rigshospitalet, Copenhagen University Hospital).